The following is an entry in ClinVar:

NM_000836.4(GRIN2D):c.3272C>A (p.Ala1091Asp)

Gene: GRIN2D (glutamate ionotropic receptor NMDA type subunit 2D; plus strand). Cytogenetic location: 19q13.33.
Variant type: single nucleotide variant.
Coding change: c.3272C>A on transcript NM_000836.4 (MANE Select); coding-DNA position 3272, C replaced by A.
Protein change: p.Ala1091Asp; replaces alanine 1091 with aspartic acid.
Molecular consequence: missense variant.
Genome position (GRCh38, 1-based): chr19:48,443,198, C>A. VCF-style: chr19-48443198-C-A. GRCh37 (hg19) VCF-style: chr19-48946455-C-A.
Other names: short protein forms A1091D.
Identifiers: ClinVar variation 1407822 (VCV001407822.8), dbSNP rs1971328007, ClinGen allele CA406675301.

ClinVar aggregate classification (germline): Uncertain significance (1 of 4 stars; one submission).

Submission:

Labcorp Genetics (formerly Invitae), Labcorp
Classification: Uncertain significance. Last evaluated: 2022-12-06. Review status: criteria provided, single submitter. Criteria: Invitae Variant Classification Sherloc (09022015). Collection method: clinical testing. Allele origin: germline.
Comment: In summary, the available evidence is currently insufficient to determine the role of this variant in disease. Therefore, it has been classified as a Variant of Uncertain Significance. Advanced modeling of protein sequence and biophysical properties (such as structural, functional, and spatial information, amino acid conservation, physicochemical variation, residue mobility, and thermodynamic stability) performed at Invitae indicates that this missense variant is not expected to disrupt GRIN2D protein function. ClinVar contains an entry for this variant (Variation ID: 1407822). This variant has not been reported in the literature in individuals affected with GRIN2D-related conditions. The frequency data for this variant in the population databases is considered unreliable, as metrics indicate insufficient coverage at this position in the gnomAD database. This sequence change replaces alanine, which is neutral and non-polar, with aspartic acid, which is acidic and polar, at codon 1091 of the GRIN2D protein (p.Ala1091Asp).